The following is an entry in ClinVar:

NM_138691.3(TMC1):c.662A>G (p.Tyr221Cys)

Gene: TMC1 (transmembrane channel like 1; plus strand). Cytogenetic location: 9q21.13.
Variant type: single nucleotide variant.
Coding change: c.662A>G on transcript NM_138691.3 (MANE Select); coding-DNA position 662, A replaced by G.
Protein change: p.Tyr221Cys; replaces tyrosine 221 with cysteine.
Molecular consequence: missense variant.
Genome position (GRCh38, 1-based): chr9:72,754,805, A>G. VCF-style: chr9-72754805-A-G. GRCh37 (hg19) VCF-style: chr9-75369721-A-G.
Other names: short protein forms Y221C.
Identifiers: ClinVar variation 4074374 (VCV004074374.2).

ClinVar aggregate classification (germline): Uncertain significance (1 of 4 stars; one submission).

gnomAD v4.1: 3 of 1,614,054 alleles (0.00019%); highest among the groups gnomAD compares: East Asian, 0.0022%; no homozygotes.

Submission:

GeneDx
Classification: Uncertain significance. Last evaluated: 2025-10-28. Review status: criteria provided, single submitter. Criteria: GeneDx Variant Classification Process June 2021. Collection method: clinical testing. Allele origin: germline.
Comment: In silico analysis supports that this missense variant has a deleterious effect on protein structure/function; This variant is associated with the following publications: (PMID: 31389194)